The following is an entry in ClinVar:

ClinVar aggregate classification (germline): Pathogenic (0 of 4 stars; one submission).

Conditions:
Severe early-childhood-onset retinal dystrophy (STGD1). Also called: Stargardt macular dystrophy; Juvenile onset macular degeneration; Stargardt disease 1; MACULAR DYSTROPHY WITH FLECKS, TYPE 1; STGD. Identifiers: Orphanet 364055, Orphanet 827, MedGen C1855465, MeSH D000080362, MONDO:0009549, OMIM 248200.

Allele frequency attached by ClinVar (database versions not stated): gnomAD exomes below 0.00001.
gnomAD v4.1: 2 of 1,614,184 alleles (0.00012%); highest among the groups gnomAD compares: East Asian, 0.0045%; no homozygotes.

Submission:

Department of Ophthalmology and Visual Sciences Kyoto University
Classification: Pathogenic for Stargardt disease 1. Review status: no assertion criteria provided. Collection method: not provided. Allele origin: unknown.
ClinVar note: Converted during submission from pathogenic to Pathogenic.

NM_000350.3(ABCA4):c.2798A>T (p.Asn933Ile)

Gene: ABCA4 (ATP binding cassette subfamily A member 4; minus strand). Cytogenetic location: 1p22.1.
Variant type: single nucleotide variant.
Coding change: c.2798A>T on transcript NM_000350.3 (MANE Select); coding-DNA position 2798, A replaced by T.
Protein change: p.Asn933Ile; replaces asparagine 933 with isoleucine.
Molecular consequence: missense variant.
Genome position (GRCh38, 1-based): chr1:94,047,039, T>A on the plus strand (A>T on the coding strand, the complement: ABCA4 is on the minus strand). VCF-style: chr1-94047039-T-A. GRCh37 (hg19) VCF-style: chr1-94512595-T-A.
Other names: c.2576A>T, p.Asn859Ile (NM_001425324.1); short protein forms N933I, N859I.
Identifiers: ClinVar variation 143074 (VCV000143074.3), dbSNP rs527236129, ClinGen allele CA345716.